The following is an entry in ClinVar:

ClinVar aggregate classification (germline): Uncertain significance (1 of 4 stars; one submission).

Conditions:
Ataxia-telangiectasia syndrome (AT). Also called: Cerebello-oculocutaneous telangiectasia; Immunodeficiency with ataxia telangiectasia; LOUIS-BAR SYNDROME; ATAXIA-TELANGIECTASIA, COMPLEMENTATION GROUP A; ATAXIA-TELANGIECTASIA, FRESNO VARIANT; Ataxia-telangiectasia, complementation group D. Identifiers: Orphanet 100, MedGen C0004135, MONDO:0008840, OMIM 208900.

Submission:

Labcorp Genetics (formerly Invitae), Labcorp
Classification: Uncertain significance for Ataxia-telangiectasia syndrome. Last evaluated: 2021-08-29. Review status: criteria provided, single submitter. Criteria: Invitae Variant Classification Sherloc (09022015). Collection method: clinical testing. Allele origin: germline.
Comment: In summary, the available evidence is currently insufficient to determine the role of this variant in disease. Therefore, it has been classified as a Variant of Uncertain Significance. This sequence change replaces serine with threonine at codon 1881 of the ATM protein (p.Ser1881Thr). The serine residue is highly conserved and there is a small physicochemical difference between serine and threonine. This variant is not present in population databases (ExAC no frequency). This variant has not been reported in the literature in individuals affected with ATM-related conditions. Advanced modeling of protein sequence and biophysical properties (such as structural, functional, and spatial information, amino acid conservation, physicochemical variation, residue mobility, and thermodynamic stability) performed at Invitae indicates that this missense variant is not expected to disrupt ATM protein function.

NM_000051.4(ATM):c.5642G>C (p.Ser1881Thr)

Gene: ATM (ATM serine/threonine kinase; plus strand). Cytogenetic location: 11q22.3.
Variant type: single nucleotide variant.
Coding change: c.5642G>C on transcript NM_000051.4 (MANE Select); coding-DNA position 5642, G replaced by C.
Protein change: p.Ser1881Thr; replaces serine 1881 with threonine.
Molecular consequence: missense variant.
Genome position (GRCh38, 1-based): chr11:108,304,820, G>C. VCF-style: chr11-108304820-G-C. GRCh37 (hg19) VCF-style: chr11-108175547-G-C.
Other names: c.5642G>C, p.Ser1881Thr (NM_001351834.2); short protein forms S1881T.
Identifiers: ClinVar variation 1378484 (VCV001378484.6), dbSNP rs2135945850, ClinGen allele CA382546454.
Genomic context (GRCh38, chr11:108,304,820, plus strand): 5'-TGCTTTCTACACATGTTCAGGGATTTTTCACCAGCTGTCTTCGACACTTCTCGCAAACGA[G>C]CCGATCCACAACCCCTGCAAACTTGGATTCAGGTATTCTATTAAATTTTTAACATTAATA-3'
Protein context (NP_000042.3, residues 1871-1891): TSCLRHFSQT[Ser1881Thr]RSTTPANLDS